The following is an entry in ClinVar:

NM_138694.4(PKHD1):c.1234-2A>G

Gene: PKHD1 (PKHD1 ciliary IPT domain containing fibrocystin/polyductin; minus strand). Cytogenetic location: 6p12.2.
Variant type: single nucleotide variant.
Coding change: c.1234-2A>G on transcript NM_138694.4 (MANE Select); the canonical splice acceptor site of the intron before coding-DNA position 1234, A replaced by G.
Molecular consequence: splice acceptor variant.
Genome position (GRCh38, 1-based): chr6:52,058,603, T>C on the plus strand (A>G on the coding strand, the complement: PKHD1 is on the minus strand). VCF-style: chr6-52058603-T-C. GRCh37 (hg19) VCF-style: chr6-51923401-T-C.
Other names: c.1234-2A>G (NM_170724.3).
Identifiers: ClinVar variation 4816572 (VCV004816572.1).

ClinVar aggregate classification (germline): Likely pathogenic (1 of 4 stars; one submission).

Conditions:
Autosomal recessive polycystic kidney disease (ARPKD). Also called: AR polycystic kidney disease. Identifiers: Orphanet 731, Orphanet 8378, MedGen C0085548, MeSH D017044, MONDO:0009889.

Submission:

Natera, Inc.
Classification: Likely pathogenic for Autosomal recessive polycystic kidney disease. Last evaluated: 2024-12-04. Review status: criteria provided, single submitter. Criteria: Natera Variant Classification Schema (03/2026). Collection method: clinical testing. Allele origin: germline.
Comment: The c.1234-2A>G variant in PKHD1 is a canonical splice acceptor site variant predicted to affect pre-mRNA splicing, which may result in an abnormal transcript and altered protein product. This variant is expected to result in nonsense mediated decay, truncation, or a dysfunctional protein product. This variant is rare in the general population with a frequency below the threshold expected for the associated phenotype(s). Given the available evidence, this variant is classified as Likely Pathogenic.